The following is an entry in ClinVar:

ClinVar aggregate classification (germline): Uncertain significance (1 of 4 stars; one submission).

Submission:

Labcorp Genetics (formerly Invitae), Labcorp
Classification: Uncertain significance. Last evaluated: 2024-09-03. Review status: criteria provided, single submitter. Criteria: Invitae Variant Classification Sherloc (09022015). Collection method: clinical testing. Allele origin: germline.
Comment: This variant, c.40_48dup, results in the insertion of 3 amino acid(s) of the PACS2 protein (p.Gly14_Leu16dup), but otherwise preserves the integrity of the reading frame. This variant is not present in population databases (gnomAD no frequency). This variant has not been reported in the literature in individuals affected with PACS2-related conditions. In summary, the available evidence is currently insufficient to determine the role of this variant in disease. Therefore, it has been classified as a Variant of Uncertain Significance.

NM_001100913.3(PACS2):c.40_48dup (p.Leu16_Asn17insGlyAlaLeu)

Genes: BRF1 (BRF1 general transcription factor IIIB subunit; minus strand), PACS2 (phosphofurin acidic cluster sorting protein 2; plus strand). Cytogenetic location: 14q32.33.
Variant type: Duplication.
Coding change: c.40_48dup on transcript NM_001100913.3 (MANE Select); coding-DNA positions 40 to 48, 9 bases duplicated (GGCGCGCTC; older notation c.40_48dupGGCGCGCTC).
Protein change: p.Leu16_Asn17insGlyAlaLeu.
Molecular consequence: inframe insertion. On other transcripts: intron variant (4).
Genome position (GRCh38, 1-based): chr14:105,314,958-105,314,966, GGCGCGCTC duplicated; duplicating any 9 consecutive bases within chr14:105,314,957-105,314,966 gives the same sequence; the c. name uses the placement nearest the transcript's 3' end. VCF-style (leftmost placement, unchanged base first): chr14-105314956-C-CCGGCGCGCT. GRCh37 (hg19) VCF-style: chr14-105781293-C-CCGGCGCGCT.
Other names: c.40_48dup, p.Leu16_Asn17insGlyAlaLeu (NM_015197.4); c.-162+357_-162+365dup (NM_001440451.1, NM_001242787.2, NM_001242786.2); c.-83+13979_-83+13987dup (NM_001243127.3).
Identifiers: ClinVar variation 2974283 (VCV002974283.2), dbSNP rs1422074156, ClinGen allele CA703452569.